The following is an entry in ClinVar:

ClinVar aggregate classification (germline): Uncertain significance. Review status: criteria provided, multiple submitters, no conflicts (2 of 4 stars). 3 submissions from 3 submitters: Uncertain significance (3). Last evaluated 2026-02-03.

Allele frequency attached by ClinVar (database versions not stated): ExAC 0.00004; gnomAD 0.00005 and 0.00006; gnomAD exomes 0.00005 and 0.00007; TOPMed 0.00008; ESP Exome Variant Server 0.00015.
gnomAD v4.1: 115 of 1,614,138 alleles (0.0071%); highest among the groups gnomAD compares: Middle Eastern, 0.049%; no homozygotes.

Submissions (3):

Women's Health and Genetics/Laboratory Corporation of America, LabCorp
Classification: Uncertain significance. Last evaluated: 2026-02-03. Review status: criteria provided, single submitter. Criteria: LabCorp Variant Classification Summary - May 2015. Collection method: clinical testing. Allele origin: germline.
Comment: Variant summary: COL4A2 c.4712C>T (p.Ala1571Val) results in a non-conservative amino acid change in the encoded protein sequence. Algorithms developed to predict the effect of missense changes on protein structure and function all suggest that this variant is likely to be disruptive. The variant allele was found at a frequency of 5.2e-05 in 249588 control chromosomes. This frequency is not significantly higher than estimated for disease-causing variants in COL4A2, allowing no conclusion about variant significance. c.4712C>T has been observed in individual(s) affected with small vessel disease or intercerebral hemmorhage without evidence for causality (e.g. Chung_2021, Mishra_2019). These report(s) do not provide unequivocal conclusions about association of the variant with Porencephaly 2. To our knowledge, no experimental evidence demonstrating an impact on protein function has been reported. The following publications have been ascertained in the context of this evaluation (PMID: 34031201, 30859180). ClinVar contains an entry for this variant (Variation ID: 1442275). Based on the evidence outlined above, the variant was classified as uncertain significance.

Labcorp Genetics (formerly Invitae), Labcorp
Classification: Uncertain significance. Last evaluated: 2025-12-08. Review status: criteria provided, single submitter. Criteria: Invitae Variant Classification Sherloc (09022015). Collection method: clinical testing. Allele origin: germline.
Comment: This sequence change replaces alanine, which is neutral and non-polar, with valine, which is neutral and non-polar, at codon 1571 of the COL4A2 protein (p.Ala1571Val). This variant is present in population databases (rs201300563, gnomAD 0.01%). This variant has not been reported in the literature in individuals affected with COL4A2-related conditions. ClinVar contains an entry for this variant (Variation ID: 1442275). Invitae Evidence Modeling of protein sequence and biophysical properties (such as structural, functional, and spatial information, amino acid conservation, physicochemical variation, residue mobility, and thermodynamic stability) indicates that this missense variant is not expected to disrupt COL4A2 protein function with a negative predictive value of 95%. In summary, the available evidence is currently insufficient to determine the role of this variant in disease. Therefore, it has been classified as a Variant of Uncertain Significance.

CeGaT Center for Human Genetics Tuebingen
Classification: Uncertain significance. Last evaluated: 2024-12-01. Review status: criteria provided, single submitter. Criteria: CeGaT Center For Human Genetics Tuebingen Variant Classification Criteria Version 2. Collection method: clinical testing. Allele origin: germline. Affected: yes. Observed: 1 variant allele.

Literature cited by the submitters: PubMed 30859180 (cited by Women's Health and Genetics/Laboratory Corporation of America, LabCorp); PubMed 34031201 (cited by Women's Health and Genetics/Laboratory Corporation of America, LabCorp).

NM_001846.4(COL4A2):c.4712C>T (p.Ala1571Val)

Genes: COL4A2 (collagen type IV alpha 2 chain; plus strand), COL4A2-AS1 (COL4A2 antisense RNA 1; minus strand). Cytogenetic location: 13q34.
Variant type: single nucleotide variant.
Coding change: c.4712C>T on transcript NM_001846.4 (MANE Select); coding-DNA position 4712, C replaced by T.
Protein change: p.Ala1571Val; replaces alanine 1571 with valine.
Molecular consequence: missense variant.
Genome position (GRCh38, 1-based): chr13:110,508,052, C>T. VCF-style: chr13-110508052-C-T. GRCh37 (hg19) VCF-style: chr13-111160399-C-T.
Other names: short protein forms A1571V.
Identifiers: ClinVar variation 1442275 (VCV001442275.21), dbSNP rs201300563, ClinGen allele CA7050631.